The following is an entry in ClinVar:

ClinVar aggregate classification (germline): Uncertain significance (1 of 4 stars; one submission).

Conditions:
Joubert syndrome. Also called: CEREBELLOPARENCHYMAL DISORDER IV; JOUBERT-BOLTSHAUSER SYNDROME; Familial aplasia of the vermis. Identifiers: Orphanet 475, MedGen C5979921, MONDO:0018772.
Meckel-Gruber syndrome. Also called: DYSENCEPHALIA SPLANCHNOCYSTICA; GRUBER SYNDROME; Dysencephalia splachnocystica. Identifiers: Orphanet 564, MedGen C0265215, MONDO:0018921.

Submission:

Labcorp Genetics (formerly Invitae), Labcorp
Classification: Uncertain significance for Joubert syndrome; Meckel-Gruber syndrome. Last evaluated: 2021-12-02. Review status: criteria provided, single submitter. Criteria: Invitae Variant Classification Sherloc (09022015). Collection method: clinical testing. Allele origin: germline.
Comment: In summary, the available evidence is currently insufficient to determine the role of this variant in disease. Therefore, it has been classified as a Variant of Uncertain Significance. Algorithms developed to predict the effect of missense changes on protein structure and function (SIFT, PolyPhen-2, Align-GVGD) all suggest that this variant is likely to be tolerated. This variant has not been reported in the literature in individuals affected with RPGRIP1L-related conditions. This variant is not present in population databases (gnomAD no frequency). This sequence change replaces glutamic acid, which is acidic and polar, with alanine, which is neutral and non-polar, at codon 312 of the RPGRIP1L protein (p.Glu312Ala).

NM_015272.5(RPGRIP1L):c.935A>C (p.Glu312Ala)

Gene: RPGRIP1L (RPGRIP1 like; minus strand). Cytogenetic location: 16q12.2.
Variant type: single nucleotide variant.
Coding change: c.935A>C on transcript NM_015272.5 (MANE Select); coding-DNA position 935, A replaced by C.
Protein change: p.Glu312Ala; replaces glutamic acid 312 with alanine.
Molecular consequence: missense variant.
Genome position (GRCh38, 1-based): chr16:53,672,964, T>G on the plus strand (A>C on the coding strand, the complement: RPGRIP1L is on the minus strand). VCF-style: chr16-53672964-T-G. GRCh37 (hg19) VCF-style: chr16-53706876-T-G.
Other names: c.935A>C, p.Glu312Ala (NM_001127897.4, NM_001308334.3, NM_001330538.2); short protein forms E312A.
Identifiers: ClinVar variation 1389952 (VCV001389952.4), dbSNP rs2151245683, ClinGen allele CA395922941.